The following is an entry in ClinVar:

NM_001614.5(ACTG1):c.603C>T (p.Thr201=)

Gene: ACTG1 (actin gamma 1; minus strand). Cytogenetic location: 17q25.3.
Variant type: single nucleotide variant.
Coding change: c.603C>T on transcript NM_001614.5 (MANE Select); coding-DNA position 603, C replaced by T.
Protein change: p.Thr201=; no amino-acid change (threonine 201 retained).
Molecular consequence: synonymous variant. On other transcripts: non-coding transcript variant (1).
Genome position (GRCh38, 1-based): chr17:81,511,387, G>A on the plus strand (C>T on the coding strand, the complement: ACTG1 is on the minus strand). VCF-style: chr17-81511387-G-A. GRCh37 (hg19) VCF-style: chr17-79478413-G-A.
Other names: c.603C>T, p.Thr201= (NM_001199954.3).
Identifiers: ClinVar variation 3753762 (VCV003753762.15).
Genomic context (GRCh38, chr17:81,511,387, plus strand): 5'-CAGGGCGACGTAGCACAGCTTCTCCTTGATGTCGCGCACGATTTCCCGCTCGGCCGTGGT[G>A]GTGAAGCTGTAGCCTCGCTCAGTGAGGATCTTCATGAGGTAGTCGGTCAGGTCCCGGCCA-3'
Protein context (NP_001605.1, residues 191-211): KILTERGYSF[Thr201=]TTAEREIVRD

ClinVar aggregate classification (germline): Likely benign. Review status: criteria provided, multiple submitters, no conflicts (2 of 4 stars). 2 submissions from 2 submitters: Likely benign (2). Last evaluated 2024-12-01.

Conditions:
Baraitser-winter syndrome 2. Identifiers: Orphanet 2995, MedGen C3281235, MONDO:0013812, OMIM 614583.
Autosomal dominant nonsyndromic hearing loss 20. Identifiers: Orphanet 90635, MedGen C1858172, MONDO:0011480, OMIM 604717.

Submissions (2):

CeGaT Center for Human Genetics Tuebingen
Classification: Likely benign. Last evaluated: 2024-12-01. Review status: criteria provided, single submitter. Criteria: CeGaT Center For Human Genetics Tuebingen Variant Classification Criteria Version 2. Collection method: clinical testing. Allele origin: germline. Affected: yes. Observed: 1 variant allele.
Comment: ACTG1: BP4, BP7

Labcorp Genetics (formerly Invitae), Labcorp
Classification: Likely benign for Baraitser-winter syndrome 2; Autosomal dominant nonsyndromic hearing loss 20. Last evaluated: 2024-02-07. Review status: criteria provided, single submitter. Criteria: Invitae Variant Classification Sherloc (09022015). Collection method: clinical testing. Allele origin: germline.